The following is an entry in ClinVar:

ClinVar aggregate classification (germline): Uncertain significance (1 of 4 stars; one submission).

Submission:

GeneDx
Classification: Uncertain significance. Last evaluated: 2025-06-06. Review status: criteria provided, single submitter. Criteria: GeneDx Variant Classification Process June 2021. Collection method: clinical testing. Allele origin: germline. Affected: yes.
Comment: Not observed at significant frequency in large population cohorts (gnomAD); In silico analysis supports that this missense variant has a deleterious effect on protein structure/function; Has not been previously published as pathogenic or benign to our knowledge

NM_181303.2(NLGN3):c.1853C>T (p.Ala618Val)

Gene: NLGN3 (neuroligin 3; plus strand). Cytogenetic location: Xq13.1.
Variant type: single nucleotide variant.
Coding change: c.1853C>T on transcript NM_181303.2 (MANE Select); coding-DNA position 1853, C replaced by T.
Protein change: p.Ala618Val; replaces alanine 618 with valine.
Molecular consequence: missense variant.
Genome position (GRCh38, 1-based): chrX:71,169,403, C>T. VCF-style: chrX-71169403-C-T. GRCh37 (hg19) VCF-style: chrX-70389253-C-T.
Other names: c.1733C>T, p.Ala578Val (NM_001166660.2); c.1442C>T, p.Ala481Val (NM_001321276.2, NM_001438298.1); c.1502C>T, p.Ala501Val (NM_001437941.1, NM_001438296.1); c.1793C>T, p.Ala598Val (NM_018977.4); short protein forms A481V, A501V, A578V, A598V, A618V.
Identifiers: ClinVar variation 4536185 (VCV004536185.1).
Genomic context (GRCh38, chrX:71,169,403, plus strand): 5'-CCCGAGACCAGCTCTACCTTCACATCGGGCTGAAACCAAGGGTCCGAGATCATTACCGGG[C>T]CACTAAGGTGGCCTTTTGGAAACATCTGGTGCCCCACCTATACAACCTGCATGACATGTT-3'
Protein context (NP_851820.1, residues 608-628): LKPRVRDHYR[Ala618Val]TKVAFWKHLV